The following is an entry in ClinVar:

ClinVar aggregate classification (germline): Uncertain significance (1 of 4 stars; one submission).

Conditions:
Baller-Gerold syndrome (BGS). Also called: CRANIOSYNOSTOSIS WITH RADIAL DEFECTS. Identifiers: Orphanet 1225, MedGen C0265308, MONDO:0009039, OMIM 218600.

Allele frequency attached by ClinVar (database versions not stated): gnomAD exomes below 0.00001.
gnomAD v4.1: 1 of 1,610,260 alleles (0.000062%); highest among the groups gnomAD compares: Non-Finnish European, 0.000085%; no homozygotes.

Submission:

Labcorp Genetics (formerly Invitae), Labcorp
Classification: Uncertain significance for Baller-Gerold syndrome. Last evaluated: 2020-12-08. Review status: criteria provided, single submitter. Criteria: Invitae Variant Classification Sherloc (09022015). Collection method: clinical testing. Allele origin: germline.
Comment: This sequence change replaces isoleucine with methionine at codon 247 of the RECQL4 protein (p.Ile247Met). The isoleucine residue is weakly conserved and there is a small physicochemical difference between isoleucine and methionine. This variant is not present in population databases (ExAC no frequency). This variant has not been reported in the literature in individuals with RECQL4-related conditions. Experimental studies and prediction algorithms are not available or were not evaluated, and the functional significance of this variant is currently unknown. In summary, the available evidence is currently insufficient to determine the role of this variant in disease. Therefore, it has been classified as a Variant of Uncertain Significance.

NM_004260.4(RECQL4):c.741C>G (p.Ile247Met)

Gene: RECQL4 (RecQ like helicase 4; minus strand). Cytogenetic location: 8q24.3.
Variant type: single nucleotide variant.
Coding change: c.741C>G on transcript NM_004260.4 (MANE Select); coding-DNA position 741, C replaced by G.
Protein change: p.Ile247Met; replaces isoleucine 247 with methionine.
Molecular consequence: missense variant.
Genome position (GRCh38, 1-based): chr8:144,516,378, G>C on the plus strand (C>G on the coding strand, the complement: RECQL4 is on the minus strand). VCF-style: chr8-144516378-G-C. GRCh37 (hg19) VCF-style: chr8-145741762-G-C.
Other names: short protein forms I247M.
Identifiers: ClinVar variation 1472234 (VCV001472234.6), dbSNP rs1389538148, ClinGen allele CA372689436.